The following is an entry in ClinVar:

NM_003824.4(FADD):c.465C>T (p.Asn155=)

Gene: FADD (Fas associated via death domain; plus strand). Cytogenetic location: 11q13.3.
Variant type: single nucleotide variant.
Coding change: c.465C>T on transcript NM_003824.4 (MANE Select); coding-DNA position 465, C replaced by T.
Protein change: p.Asn155=; no amino-acid change (asparagine 155 retained).
Molecular consequence: synonymous variant.
Genome position (GRCh38, 1-based): chr11:70,206,311, C>T. VCF-style: chr11-70206311-C-T. GRCh37 (hg19) VCF-style: chr11-70052417-C-T.
Other names: c.465C>T (NM_003824.3).
Identifiers: ClinVar variation 1148859 (VCV001148859.11), dbSNP rs762207823, ClinGen allele CA6158490.
Genomic context (GRCh38, chr11:70,206,311, plus strand): 5'-CAACCTGACAGAGCGTGTGCGGGAGTCACTGAGAATCTGGAAGAACACAGAGAAGGAGAA[C>T]GCAACAGTGGCCCACCTGGTGGGGGCTCTCAGGTCCTGCCAGATGAACCTGGTGGCTGAC-3'
Protein context (NP_003815.1, residues 145-165): LRIWKNTEKE[Asn155=]ATVAHLVGAL

ClinVar aggregate classification (germline): Likely benign. Review status: criteria provided, single submitter (1 of 4 stars). 2 submissions from 2 submitters: Likely benign (1). 1 of the submissions does not count toward it. Last evaluated 2025-10-29.

Conditions:
FADD-related disorder. Also called: FADD-related condition.
FADD-related immunodeficiency. Also called: FADD DEFICIENCY; Infections, recurrent, with encephalopathy, hepatic dysfunction, and cardiovascular malformations. Identifiers: Orphanet 306550, MedGen C3151062, MONDO:0013408, OMIM 613759.

Allele frequency attached by ClinVar (database versions not stated): gnomAD 0.00001; TOPMed 0.00002; ExAC 0.00005; gnomAD exomes 0.00006.
gnomAD v4.1: 33 of 1,614,044 alleles (0.002%); highest among the groups gnomAD compares: South Asian, 0.02%; no homozygotes.

Submissions (2):

Labcorp Genetics (formerly Invitae), Labcorp
Classification: Likely benign for FADD-related immunodeficiency. Last evaluated: 2025-10-29. Review status: criteria provided, single submitter. Criteria: Invitae Variant Classification Sherloc (09022015). Collection method: clinical testing. Allele origin: germline.

PreventionGenetics, part of Exact Sciences
Classification: Likely benign for FADD-related condition. Last evaluated: 2022-11-23. Review status: no assertion criteria provided. Collection method: clinical testing. Allele origin: germline. Not counted in ClinVar's aggregate classification.
Comment: This variant is classified as likely benign based on ACMG/AMP sequence variant interpretation guidelines (Richards et al. 2015 PMID: 25741868, with internal and published modifications).